The following is an entry in ClinVar:

ClinVar aggregate classification (germline): Uncertain significance. Review status: criteria provided, multiple submitters, no conflicts (2 of 4 stars). 2 submissions from 2 submitters: Uncertain significance (2). Last evaluated 2023-10-03.

Conditions:
Familial hypocalciuric hypercalcemia (FHH). Also called: Familial benign hypercalcemia. Identifiers: Orphanet 405, MedGen C1809471, MONDO:0018458.
Autosomal dominant hypocalcemia 1 (HYPOC1). Also called: HYPOCALCEMIA, FAMILIAL. Identifiers: MedGen C3715128, MONDO:0011013, OMIM 601198.

Submissions (2):

Women's Health and Genetics/Laboratory Corporation of America, LabCorp
Classification: Uncertain significance. Last evaluated: 2023-10-03. Review status: criteria provided, single submitter. Criteria: LabCorp Variant Classification Summary - May 2015. Collection method: clinical testing. Allele origin: germline.
Comment: Variant summary: CASR c.107G>T (p.Gly36Val) results in a non-conservative amino acid change in the encoded protein sequence. Five of five in-silico tools predict a damaging effect of the variant on protein function. The variant was absent in 251256 control chromosomes (gnomAD). The available data on variant occurrences in the general population are insufficient to allow any conclusion about variant significance. To our knowledge, no occurrence of c.107G>T in individuals affected with Autosomal Dominant Hypocalcemia and no experimental evidence demonstrating its impact on protein function have been reported. One submitter has cited a clinical-significance assessment for this variant to ClinVar after 2014 and has classified the variant as uncertain significance. Based on the evidence outlined above, the variant was classified as uncertain significance.

Labcorp Genetics (formerly Invitae), Labcorp
Classification: Uncertain significance for Familial hypocalciuric hypercalcemia; Autosomal dominant hypocalcemia 1. Last evaluated: 2023-04-19. Review status: criteria provided, single submitter. Criteria: Invitae Variant Classification Sherloc (09022015). Collection method: clinical testing. Allele origin: germline.
Comment: ClinVar contains an entry for this variant (Variation ID: 583334). In summary, the available evidence is currently insufficient to determine the role of this variant in disease. Therefore, it has been classified as a Variant of Uncertain Significance. An algorithm developed to predict the effect of missense changes on protein structure and function (PolyPhen-2) suggests that this variant is likely to be disruptive. This variant has not been reported in the literature in individuals affected with CASR-related conditions. This variant is not present in population databases (gnomAD no frequency). This sequence change replaces glycine, which is neutral and non-polar, with valine, which is neutral and non-polar, at codon 36 of the CASR protein (p.Gly36Val).

NM_000388.4(CASR):c.107G>T (p.Gly36Val)

Gene: CASR (calcium sensing receptor; plus strand). Cytogenetic location: 3q21.1.
Variant type: single nucleotide variant.
Coding change: c.107G>T on transcript NM_000388.4 (MANE Select); coding-DNA position 107, G replaced by T.
Protein change: p.Gly36Val; replaces glycine 36 with valine.
Molecular consequence: missense variant.
Genome position (GRCh38, 1-based): chr3:122,254,296, G>T. VCF-style: chr3-122254296-G-T. GRCh37 (hg19) VCF-style: chr3-121973143-G-T.
Other names: c.107G>T, p.Gly36Val (NM_001178065.2); short protein forms G36V.
Identifiers: ClinVar variation 583334 (VCV000583334.11), dbSNP rs1559955372, ClinGen allele CA354362146.